The following is an entry in ClinVar:

ClinVar aggregate classification (germline): Uncertain significance (1 of 4 stars; one submission).

Conditions:
Epilepsy, childhood absence, susceptibility to, 1. Also called: Epilepsy, childhood absence 1. Identifiers: Orphanet 64280, MedGen C1838604, MONDO:0020759, OMIM 600131.
Epilepsy, childhood absence, susceptibility to, 5. Identifiers: Orphanet 64280, MedGen C2677087, MONDO:0012843, OMIM 612269.

Submission:

Labcorp Genetics (formerly Invitae), Labcorp
Classification: Uncertain significance for Epilepsy, childhood absence, susceptibility to, 5; Epilepsy, childhood absence, susceptibility to, 1. Last evaluated: 2023-01-07. Review status: criteria provided, single submitter. Criteria: Invitae Variant Classification Sherloc (09022015). Collection method: clinical testing. Allele origin: germline.
Comment: In summary, the available evidence is currently insufficient to determine the role of this variant in disease. Therefore, it has been classified as a Variant of Uncertain Significance. Advanced modeling of protein sequence and biophysical properties (such as structural, functional, and spatial information, amino acid conservation, physicochemical variation, residue mobility, and thermodynamic stability) performed at Invitae indicates that this missense variant is not expected to disrupt GABRB3 protein function. This variant has not been reported in the literature in individuals affected with GABRB3-related conditions. This variant is not present in population databases (gnomAD no frequency). This sequence change replaces leucine, which is neutral and non-polar, with valine, which is neutral and non-polar, at codon 369 of the GABRB3 protein (p.Leu369Val).

NM_000814.6(GABRB3):c.1105T>G (p.Leu369Val)

Gene: GABRB3 (gamma-aminobutyric acid type A receptor subunit beta3; minus strand). Cytogenetic location: 15q12.
Variant type: single nucleotide variant.
Coding change: c.1105T>G on transcript NM_000814.6 (MANE Select); coding-DNA position 1105, T replaced by G.
Protein change: p.Leu369Val; replaces leucine 369 with valine.
Molecular consequence: missense variant.
Genome position (GRCh38, 1-based): chr15:26,548,110, A>C on the plus strand (T>G on the coding strand, the complement: GABRB3 is on the minus strand). VCF-style: chr15-26548110-A-C. GRCh37 (hg19) VCF-style: chr15-26793257-A-C.
Other names: c.892T>G, p.Leu298Val (NM_001191321.3); c.850T>G, p.Leu284Val (NM_001278631.2, NM_001191320.2); c.1105T>G, p.Leu369Val (NM_021912.5); short protein forms L298V, L284V, L369V.
Identifiers: ClinVar variation 2942991 (VCV002942991.3), dbSNP rs2504115347, ClinGen allele CA391459413.
Genomic context (GRCh38, chr15:26,548,110, plus strand): 5'-TGGTATCGCCAATGCCGCCTGAGACCTCATTCATTTCATTGTGAACTTCCAGCGATGTCA[A>C]CAGAATATTTCCATGAGCATCCACCTAATTGGACGGAAAATGCACATGGTTAGACAGCCA-3'
Protein context (NP_000805.1, residues 359-379): NRVDAHGNIL[Leu369Val]TSLEVHNEMN